The following is an entry in ClinVar:

ClinVar aggregate classification (germline): Likely benign. Review status: criteria provided, multiple submitters, no conflicts (2 of 4 stars). 2 submissions from 2 submitters: Likely benign (2). Last evaluated 2025-07-31.

Conditions:
Methylcobalamin deficiency type cblG (HMAG). Also called: HOMOCYSTINURIA-MEGALOBLASTIC ANEMIA, cblG COMPLEMENTATION TYPE; HOMOCYSTINURIA-MEGALOBLASTIC ANEMIA, cblG TYPE; HOMOCYSTINURIA-MEGALOBLASTIC ANEMIA DUE TO DEFECT IN COBALAMIN METABOLISM, cblG COMPLEMENTATION TYPE; Functional methionine synthase deficiency type cblG. Identifiers: Orphanet 2170, Orphanet 622, MedGen C1855128, MONDO:0009609, OMIM 250940.

Allele frequency attached by ClinVar (database versions not stated): gnomAD exomes 0.00001 and 0.00002; ExAC 0.00003.
gnomAD v4.1: 9 of 1,613,902 alleles (0.00056%); highest among the groups gnomAD compares: Admixed American, 0.013%; no homozygotes.

Submissions (2):

Labcorp Genetics (formerly Invitae), Labcorp
Classification: Likely benign for Methylcobalamin deficiency type cblG. Last evaluated: 2025-07-31. Review status: criteria provided, single submitter. Criteria: Invitae Variant Classification Sherloc (09022015). Collection method: clinical testing. Allele origin: germline.

GeneDx
Classification: Likely benign. Last evaluated: 2016-10-20. Review status: criteria provided, single submitter. Criteria: GeneDx Variant Classification (06012015). Collection method: clinical testing. Allele origin: germline. Affected: yes.
Comment: This variant is considered likely benign or benign based on one or more of the following criteria: it is a conservative change, it occurs at a poorly conserved position in the protein, it is predicted to be benign by multiple in silico algorithms, and/or has population frequency not consistent with disease.

NM_000254.3(MTR):c.1953+7A>G

Gene: MTR (5-methyltetrahydrofolate-homocysteine methyltransferase; plus strand). Cytogenetic location: 1q43.
Variant type: single nucleotide variant.
Coding change: c.1953+7A>G on transcript NM_000254.3 (MANE Select); 7 bases into the intron after coding-DNA position 1953, A replaced by G.
Molecular consequence: intron variant.
Genome position (GRCh38, 1-based): chr1:236,853,095, A>G. VCF-style: chr1-236853095-A-G. GRCh37 (hg19) VCF-style: chr1-237016395-A-G.
Other names: c.1953+7A>G (NM_001291939.1); c.732+7A>G (NM_001291940.2).
Identifiers: ClinVar variation 389997 (VCV000389997.8), dbSNP rs777871271, ClinGen allele CA1474213.